The following is an entry in ClinVar:

ClinVar aggregate classification (germline): Pathogenic (1 of 4 stars; one submission).

Submission:

Labcorp Genetics (formerly Invitae), Labcorp
Classification: Pathogenic. Last evaluated: 2022-12-21. Review status: criteria provided, single submitter. Criteria: Invitae Variant Classification Sherloc (09022015). Collection method: clinical testing. Allele origin: germline.
Comment: This missense change has been observed in individual(s) with Pendred syndrome (PMID: 18285825). In at least one individual the data is consistent with being in trans (on the opposite chromosome) from a pathogenic variant. This variant is not present in population databases (gnomAD no frequency). This sequence change replaces glutamine, which is neutral and polar, with proline, which is neutral and non-polar, at codon 413 of the SLC26A4 protein (p.Gln413Pro). Advanced modeling of protein sequence and biophysical properties (such as structural, functional, and spatial information, amino acid conservation, physicochemical variation, residue mobility, and thermodynamic stability) performed at Invitae indicates that this missense variant is expected to disrupt SLC26A4 protein function. For these reasons, this variant has been classified as Pathogenic. This variant disrupts the p.Gln413 amino acid residue in SLC26A4. Other variant(s) that disrupt this residue have been determined to be pathogenic (PMID: 21961810, 25290043, 26752218). This suggests that this residue is clinically significant, and that variants that disrupt this residue are likely to be disease-causing.

Literature cited by the submitters: PubMed 18285825; PubMed 21961810; PubMed 25290043; PubMed 26752218.

NM_000441.2(SLC26A4):c.1238A>C (p.Gln413Pro)

Gene: SLC26A4 (solute carrier family 26 member 4; plus strand). Cytogenetic location: 7q22.3.
Variant type: single nucleotide variant.
Coding change: c.1238A>C on transcript NM_000441.2 (MANE Select); coding-DNA position 1238, A replaced by C.
Protein change: p.Gln413Pro; replaces glutamine 413 with proline.
Molecular consequence: missense variant.
Genome position (GRCh38, 1-based): chr7:107,690,212, A>C. VCF-style: chr7-107690212-A-C. GRCh37 (hg19) VCF-style: chr7-107330657-A-C.
Other names: short protein forms Q413P.
Identifiers: ClinVar variation 2735067 (VCV002735067.3), dbSNP rs142498437, ClinGen allele CA368839287.